The following is an entry in ClinVar:

NM_000081.4(LYST):c.9612T>G (p.Tyr3204Ter)

Gene: LYST (lysosomal trafficking regulator; minus strand). Cytogenetic location: 1q42.3.
Variant type: single nucleotide variant.
Coding change: c.9612T>G on transcript NM_000081.4 (MANE Select); coding-DNA position 9612, T replaced by G.
Protein change: p.Tyr3204Ter; replaces tyrosine 3204 with a stop codon.
Molecular consequence: nonsense.
Genome position (GRCh38, 1-based): chr1:235,716,727, A>C on the plus strand (T>G on the coding strand, the complement: LYST is on the minus strand). VCF-style: chr1-235716727-A-C. GRCh37 (hg19) VCF-style: chr1-235880027-A-C.
Other names: c.9612T>G, p.Tyr3204Ter (NM_001301365.1); short protein forms Y3204*.
Identifiers: ClinVar variation 2829729 (VCV002829729.3), dbSNP rs2527417807, ClinGen allele CA344940893.

ClinVar aggregate classification (germline): Pathogenic (1 of 4 stars; one submission).

Conditions:
Chédiak-Higashi syndrome (CHS). Also called: Chediak-Higashi Syndrome. Identifiers: Orphanet 167, MedGen C0007965, MONDO:0008963, OMIM 214500.

Submission:

Labcorp Genetics (formerly Invitae), Labcorp
Classification: Pathogenic for Chédiak-Higashi syndrome. Last evaluated: 2025-02-10. Review status: criteria provided, single submitter. Criteria: Invitae Variant Classification Sherloc (09022015). Collection method: clinical testing. Allele origin: germline.
Comment: This sequence change creates a premature translational stop signal (p.Tyr3204*) in the LYST gene. It is expected to result in an absent or disrupted protein product. Loss-of-function variants in LYST are known to be pathogenic (PMID: 9215679, 11857544). This variant is not present in population databases (gnomAD no frequency). This variant has not been reported in the literature in individuals affected with LYST-related conditions. ClinVar contains an entry for this variant (Variation ID: 2829729). For these reasons, this variant has been classified as Pathogenic.

Literature cited by the submitters: PubMed 9215679; PubMed 11857544.